The following is an entry in ClinVar:

ClinVar aggregate classification (germline): Likely pathogenic. Review status: reviewed by expert panel (3 of 4 stars). 2 submissions from 2 submitters: Likely pathogenic (1). 1 of the submissions does not count toward it. Last evaluated 2019-12-14.

Conditions:
Phenylketonuria (PKU). Also called: Phenylketonuria (PKU); FOLLING DISEASE; OLIGOPHRENIA PHENYLPYRUVICA; Phenylketonurias. Identifiers: Orphanet 716, MedGen C0031485, MONDO:0009861, OMIM 261600. Disease mechanism: loss of function.

Submissions (2):

ClinGen PAH Variant Curation Expert Panel
Classification: Likely pathogenic for Phenylketonuria. Last evaluated: 2019-12-14. Review status: reviewed by expert panel. Criteria: ClinGen PAH ACMG Specifications v1. Collection method: curation. Allele origin: germline. Inheritance: Autosomal recessive inheritance.
Comment: The c.911A>G (p.Gln304Arg) variant in PAH has been reported in multiple individuals with PKU (BH4 deficiency excluded). (PP4_Moderate; PMID: 8632937, 22841515, 30747360). This variant is absent in population databases (PM2). This variant was detected with pathogenic variant p.R252W (PM3_supporting). Computational evidence supports a deleterious effect. In summary, this variant meets criteria to be classified as likely pathogenic for PAH. PAH-specific ACMG/AMP criteria applied: PP4_Moderate, PM2, PM3_supporting, PP3.

DeBelle Laboratory for Biochemical Genetics, MUHC/MCH RESEARCH INSTITUTE
No classification provided. Review status: no classification provided. Collection method: not provided. Allele origin: not provided. Not counted in ClinVar's aggregate classification.

NM_000277.3(PAH):c.911A>G (p.Gln304Arg)

Genes: PAH (phenylalanine hydroxylase; minus strand), LOC126861615 (CDK7 strongly-dependent group 2 enhancer GRCh37_chr12:103244689-103245888; plus strand). Cytogenetic location: 12q23.2.
Variant type: single nucleotide variant.
Coding change: c.911A>G on transcript NM_000277.3 (MANE Select); coding-DNA position 911, A replaced by G.
Protein change: p.Gln304Arg; replaces glutamine 304 with arginine.
Molecular consequence: missense variant.
Genome position (GRCh38, 1-based): chr12:102,851,688, T>C on the plus strand (A>G on the coding strand, the complement: PAH is on the minus strand). VCF-style: chr12-102851688-T-C. GRCh37 (hg19) VCF-style: chr12-103245466-T-C.
Other names: c.911A>G, p.Gln304Arg (NM_001354304.2); short protein forms Q304R.
Identifiers: ClinVar variation 102891 (VCV000102891.2), dbSNP rs199475592, ClinGen allele CA229844.